The following is an entry in ClinVar:

ClinVar aggregate classification (germline): Uncertain significance (1 of 4 stars; one submission).

Submission:

Labcorp Genetics (formerly Invitae), Labcorp
Classification: Uncertain significance. Last evaluated: 2024-08-06. Review status: criteria provided, single submitter. Criteria: Invitae Variant Classification Sherloc (09022015). Collection method: clinical testing. Allele origin: germline.
Comment: This sequence change replaces threonine, which is neutral and polar, with methionine, which is neutral and non-polar, at codon 733 of the KANK1 protein (p.Thr733Met). This variant is present in population databases (no rsID available, gnomAD 0.006%). This variant has not been reported in the literature in individuals affected with KANK1-related conditions. ClinVar contains an entry for this variant (Variation ID: 1504122). Advanced modeling of protein sequence and biophysical properties (such as structural, functional, and spatial information, amino acid conservation, physicochemical variation, residue mobility, and thermodynamic stability) performed at Invitae indicates that this missense variant is not expected to disrupt KANK1 protein function with a negative predictive value of 80%. In summary, the available evidence is currently insufficient to determine the role of this variant in disease. Therefore, it has been classified as a Variant of Uncertain Significance.

NM_015158.5(KANK1):c.2198C>T (p.Thr733Met)

Gene: KANK1 (KN motif and ankyrin repeat domains 1; plus strand). Cytogenetic location: 9p24.3.
Variant type: single nucleotide variant.
Coding change: c.2198C>T on transcript NM_015158.5 (MANE Select); coding-DNA position 2198, C replaced by T.
Protein change: p.Thr733Met; replaces threonine 733 with methionine.
Molecular consequence: missense variant. On other transcripts: non-coding transcript variant (1).
Genome position (GRCh38, 1-based): chr9:712,964, C>T. VCF-style: chr9-712964-C-T. GRCh37 (hg19) VCF-style: chr9-712964-C-T.
Other names: c.2198C>T, p.Thr733Met (NM_001256876.3, NM_001256877.3, NM_001354331.2 and 2 more transcripts); c.1724C>T, p.Thr575Met (NM_001354333.2, NM_001354335.2, NM_001354336.2 and 9 more transcripts); short protein forms T575M, T733M.
Identifiers: ClinVar variation 1504122 (VCV001504122.8), dbSNP rs760774418, ClinGen allele CA372749784.